The following is an entry in ClinVar:

ClinVar aggregate classification (germline): Uncertain significance (1 of 4 stars; one submission).

Conditions:
Gnathodiaphyseal dysplasia (GDD). Also called: GNATHODIAPHYSEAL SCLEROSIS; OSTEOGENESIS IMPERFECTA WITH UNUSUAL SKELETAL LESIONS. Identifiers: Orphanet 53697, MedGen C1833736, MONDO:0008151, OMIM 166260.
Autosomal recessive limb-girdle muscular dystrophy type 2L (LGMDR12). Also called: Limb-girdle muscular dystrophy, type 2L; MUSCULAR DYSTROPHY, LIMB-GIRDLE, AUTOSOMAL RECESSIVE 12; Limb-Girdle Muscular Dystrophy R12 Anoctamin-5-Related (LGMD-R12). Identifiers: Orphanet 206549, MedGen C1969785, MONDO:0012652, OMIM 611307.

Submission:

Labcorp Genetics (formerly Invitae), Labcorp
Classification: Uncertain significance for Autosomal recessive limb-girdle muscular dystrophy type 2L; Gnathodiaphyseal dysplasia. Last evaluated: 2025-03-23. Review status: criteria provided, single submitter. Criteria: Invitae Variant Classification Sherloc (09022015). Collection method: clinical testing. Allele origin: germline.
Comment: This sequence change replaces isoleucine, which is neutral and non-polar, with methionine, which is neutral and non-polar, at codon 41 of the ANO5 protein (p.Ile41Met). This variant is not present in population databases (gnomAD no frequency). This variant has not been reported in the literature in individuals affected with ANO5-related conditions. ClinVar contains an entry for this variant (Variation ID: 2945644). Invitae Evidence Modeling of protein sequence and biophysical properties (such as structural, functional, and spatial information, amino acid conservation, physicochemical variation, residue mobility, and thermodynamic stability) indicates that this missense variant is not expected to disrupt ANO5 protein function with a negative predictive value of 80%. In summary, the available evidence is currently insufficient to determine the role of this variant in disease. Therefore, it has been classified as a Variant of Uncertain Significance.

NM_213599.3(ANO5):c.123C>G (p.Ile41Met)

Gene: ANO5 (anoctamin 5; plus strand). Cytogenetic location: 11p14.3.
Variant type: single nucleotide variant.
Coding change: c.123C>G on transcript NM_213599.3 (MANE Select); coding-DNA position 123, C replaced by G.
Protein change: p.Ile41Met; replaces isoleucine 41 with methionine.
Molecular consequence: missense variant.
Genome position (GRCh38, 1-based): chr11:22,211,299, C>G. VCF-style: chr11-22211299-C-G. GRCh37 (hg19) VCF-style: chr11-22232845-C-G.
Other names: c.120C>G, p.Ile40Met (NM_001142649.2, NM_001410964.1); c.123C>G, p.Ile41Met (NM_001410963.1); short protein forms I41M, I40M.
Identifiers: ClinVar variation 2945644 (VCV002945644.3), dbSNP rs776989759, ClinGen allele CA379923731.